The following is an entry in ClinVar:

ClinVar aggregate classification (germline): Pathogenic. Review status: criteria provided, multiple submitters, no conflicts (2 of 4 stars). 3 submissions from 3 submitters: Pathogenic (2). 1 of the submissions does not count toward it. Last evaluated 2022-03-12.

Conditions:
Hemochromatosis type 4 (HFE4). Also called: HEMOCHROMATOSIS DUE TO DEFECT IN FERROPORTIN; HEMOCHROMATOSIS, AUTOSOMAL DOMINANT; Ferroportin disease. Identifiers: Orphanet 139491, Orphanet 647834, Orphanet 648562, MedGen C1853733, MONDO:0011631, OMIM 606069.
SLC40A1-related disorder. Also called: SLC40A1-related condition.

Submissions (3):

Labcorp Genetics (formerly Invitae), Labcorp
Classification: Pathogenic for Hemochromatosis type 4. Last evaluated: 2022-03-12. Review status: criteria provided, single submitter. Criteria: Invitae Variant Classification Sherloc (09022015). Collection method: clinical testing. Allele origin: germline.
Comment: Experimental studies have shown that this missense change affects SLC40A1 function (PMID: 15692071, 15956209, 24714983). For these reasons, this variant has been classified as Pathogenic. This sequence change replaces glycine, which is neutral and non-polar, with aspartic acid, which is acidic and polar, at codon 490 of the SLC40A1 protein (p.Gly490Asp). Algorithms developed to predict the effect of missense changes on protein structure and function are either unavailable or do not agree on the potential impact of this missense change (SIFT: "Tolerated"; PolyPhen-2: "Probably Damaging"; Align-GVGD: "Class C0"). ClinVar contains an entry for this variant (Variation ID: 406376). This missense change has been observed in individuals with hyperferritinemia and iron overload (PMID: 12873829, 21199650, 24714983). It has also been observed to segregate with disease in related individuals. This variant is not present in population databases (gnomAD no frequency).

Laboratory of Molecular Genetics and Genomics, Rennes University Hospital
Classification: Pathogenic for Hemochromatosis type 4. Last evaluated: 2020-07-01. Review status: criteria provided, single submitter. Criteria: ACMG Guidelines, 2015. Collection method: clinical testing. Allele origin: germline. Affected: yes.
Comment: Identified in 11 patients harbouring clinical and biochemical symptomes of type 4 haemochromatosis

PreventionGenetics, part of Exact Sciences
Classification: Pathogenic for SLC40A1-related condition. Last evaluated: 2024-09-20. Review status: no assertion criteria provided. Collection method: clinical testing. Allele origin: germline. Not counted in ClinVar's aggregate classification.
Comment: The SLC40A1 c.1469G>A variant is predicted to result in the amino acid substitution p.Gly490Asp. This variant was reported in patients with hemochromatosis type 4 (Jouanelle et al. 2003. PubMed ID: 12873829; Rice et al. 2009. PubMed ID: 19150361; Le Gac et al. 2013. PubMed ID: 23784628; Callebaut et al. 2014. PubMed ID: 24714983). An in vitro study showed that this variant caused a loss of iron export function (Schimanski et al. 2005. PubMed ID: 15692071). Of note, another missense variant affecting the same amino acid (p.Gly490Ser) has also been reported as causative for hyperferritinemia (Callebaut et al. 2014. PubMed ID: 24714983). This variant has not been reported in a large population database, indicating this variant is rare. This variant is classified as pathogenic in ClinVar. This variant is interpreted as pathogenic.

Literature cited by the submitters: PubMed 15692071 (cited by Labcorp Genetics (formerly Invitae), Labcorp); PubMed 15956209 (cited by Labcorp Genetics (formerly Invitae), Labcorp); PubMed 24714983 (cited by Labcorp Genetics (formerly Invitae), Labcorp); PubMed 12873829 (cited by Labcorp Genetics (formerly Invitae), Labcorp); PubMed 21199650 (cited by Labcorp Genetics (formerly Invitae), Labcorp and Laboratory of Molecular Genetics and Genomics, Rennes University Hospital).

NM_014585.6(SLC40A1):c.1469G>A (p.Gly490Asp)

Gene: SLC40A1 (solute carrier family 40 member 1; minus strand). Cytogenetic location: 2q32.2.
Variant type: single nucleotide variant.
Coding change: c.1469G>A on transcript NM_014585.6 (MANE Select); coding-DNA position 1469, G replaced by A.
Protein change: p.Gly490Asp; replaces glycine 490 with aspartic acid.
Molecular consequence: missense variant.
Genome position (GRCh38, 1-based): chr2:189,562,125, C>T on the plus strand (G>A on the coding strand, the complement: SLC40A1 is on the minus strand). VCF-style: chr2-189562125-C-T. GRCh37 (hg19) VCF-style: chr2-190426851-C-T.
Other names: short protein forms G490D.
Identifiers: ClinVar variation 406376 (VCV000406376.10), dbSNP rs1060501102, ClinGen allele CA16610657.